The following is an entry in ClinVar:

ClinVar aggregate classification (germline): Uncertain significance. Review status: criteria provided, multiple submitters, no conflicts (2 of 4 stars). 2 submissions from 2 submitters: Uncertain significance (2). Last evaluated 2025-08-12.

Conditions:
Inborn genetic diseases. Identifiers: MedGen C0950123, MeSH D030342.
PRPH2-related disorder. Also called: PRPH2-related condition; PRPH2-related disorders. Identifiers: MedGen CN239395.

Allele frequency attached by ClinVar (database versions not stated): TOPMed below 0.00001; ExAC 0.00001; gnomAD 0.00001; gnomAD exomes 0.00001.
gnomAD v4.1: 4 of 1,612,226 alleles (0.00025%); highest among the groups gnomAD compares: Admixed American, 0.0034%; no homozygotes.

Submissions (2):

Labcorp Genetics (formerly Invitae), Labcorp
Classification: Uncertain significance for PRPH2-related disorder. Last evaluated: 2025-08-12. Review status: criteria provided, single submitter. Criteria: Invitae Variant Classification Sherloc (09022015). Collection method: clinical testing. Allele origin: germline.
Comment: This sequence change replaces arginine, which is basic and polar, with glycine, which is neutral and non-polar, at codon 251 of the PRPH2 protein (p.Arg251Gly). This variant is present in population databases (rs772701367, gnomAD 0.006%). This variant has not been reported in the literature in individuals affected with PRPH2-related conditions. ClinVar contains an entry for this variant (Variation ID: 1418743). Invitae Evidence Modeling of protein sequence and biophysical properties (such as structural, functional, and spatial information, amino acid conservation, physicochemical variation, residue mobility, and thermodynamic stability) has been performed for this missense variant. However, the output from this modeling did not meet the statistical confidence thresholds required to predict the impact of this variant on PRPH2 protein function. In summary, the available evidence is currently insufficient to determine the role of this variant in disease. Therefore, it has been classified as a Variant of Uncertain Significance.

Ambry Genetics
Classification: Uncertain significance for Inborn genetic diseases. Last evaluated: 2022-06-03. Review status: criteria provided, single submitter. Criteria: Ambry Variant Classification Scheme 2023. Collection method: clinical testing. Allele origin: germline.

NM_000322.5(PRPH2):c.751A>G (p.Arg251Gly)

Gene: PRPH2 (peripherin 2; minus strand). Cytogenetic location: 6p21.1.
Variant type: single nucleotide variant.
Coding change: c.751A>G on transcript NM_000322.5 (MANE Select); coding-DNA position 751, A replaced by G.
Protein change: p.Arg251Gly; replaces arginine 251 with glycine.
Molecular consequence: missense variant.
Genome position (GRCh38, 1-based): chr6:42,704,442, T>C on the plus strand (A>G on the coding strand, the complement: PRPH2 is on the minus strand). VCF-style: chr6-42704442-T-C. GRCh37 (hg19) VCF-style: chr6-42672180-T-C.
Other names: c.751A>G (NM_000322.4); short protein forms R251G.
Identifiers: ClinVar variation 1418743 (VCV001418743.9), dbSNP rs772701367, ClinGen allele CA3808541.